The following is an entry in ClinVar:

ClinVar aggregate classification (germline): Uncertain significance. Review status: criteria provided, multiple submitters, no conflicts (2 of 4 stars). 6 submissions from 6 submitters: Uncertain significance (6). Last evaluated 2025-12-18.

Conditions:
Hereditary cancer-predisposing syndrome. Also called: Tumor predisposition; Hereditary neoplastic syndrome; Neoplastic Syndromes, Hereditary; Hereditary Cancer Syndrome. Identifiers: Orphanet 140162, MedGen C0027672, MeSH D009386, MONDO:0015356.
Lynch syndrome. Identifiers: Orphanet 144, MedGen C4552100, MONDO:0005835. Disease mechanism: loss of function.
Lynch syndrome 4 (LYNCH4). Also called: Colorectal cancer, hereditary nonpolyposis, type 4; Hereditary non-polyposis colorectal cancer, type 4. Identifiers: Orphanet 144, MedGen C1838333, MONDO:0013699, OMIM 614337. Disease mechanism: loss of function.
Hereditary nonpolyposis colorectal neoplasms. Identifiers: MedGen C0009405, MeSH D003123.

Allele frequency attached by ClinVar (database versions not stated): gnomAD exomes below 0.00001.
gnomAD v4.1: 6 of 1,613,074 alleles (0.00037%); highest among the groups gnomAD compares: Non-Finnish European, 0.00051%; no homozygotes.

Submissions (6):

Labcorp Genetics (formerly Invitae), Labcorp
Classification: Uncertain significance for Hereditary nonpolyposis colorectal neoplasms. Last evaluated: 2025-12-18. Review status: criteria provided, single submitter. Criteria: Invitae Variant Classification Sherloc (09022015). Collection method: clinical testing. Allele origin: germline.
Comment: This sequence change replaces cysteine, which is neutral and slightly polar, with serine, which is neutral and polar, at codon 297 of the PMS2 protein (p.Cys297Ser). This variant is present in population databases (no rsID available, gnomAD 0.0009%). This variant has not been reported in the literature in individuals affected with PMS2-related conditions. ClinVar contains an entry for this variant (Variation ID: 224586). Invitae Evidence Modeling incorporating data from in vitro experimental studies (internal data) indicates that this missense variant is not expected to disrupt PMS2 function with a negative predictive value of 95%. In summary, the available evidence is currently insufficient to determine the role of this variant in disease. Therefore, it has been classified as a Variant of Uncertain Significance.

Ambry Genetics
Classification: Uncertain significance for Hereditary cancer-predisposing syndrome. Last evaluated: 2025-01-31. Review status: criteria provided, single submitter. Criteria: Ambry Variant Classification Scheme 2023. Collection method: clinical testing. Allele origin: germline.
Comment: The p.C297S variant (also known as c.890G>C), located in coding exon 8 of the PMS2 gene, results from a G to C substitution at nucleotide position 890. The cysteine at codon 297 is replaced by serine, an amino acid with dissimilar properties. This variant was detected in an unaffected individual with a family history of ovarian cancer who underwent multigene panel testing and called a variant of uncertain significance by authors (Shirts BH et al. Genet Med, 2016 10;18:974-81). This amino acid position is highly conserved in available vertebrate species. In addition, this alteration is predicted to be deleterious by in silico analysis. Since supporting evidence is limited at this time, the clinical significance of this alteration remains unclear.

All of Us Research Program, National Institutes of Health
Classification: Uncertain significance for Lynch syndrome. Last evaluated: 2024-07-29. Review status: criteria provided, single submitter. Criteria: ACMG Guidelines, 2015. Collection method: clinical testing. Allele origin: germline. Inheritance: Autosomal dominant inheritance. Observed: 1 variant allele, 1 heterozygote.
Comment: This missense variant replaces cysteine with serine at codon 297 of the PMS2 protein. Computational prediction suggests that this variant may have deleterious impact on protein structure and function (internally defined REVEL score threshold >= 0.7, PMID: 27666373). To our knowledge, functional studies have not been reported for this variant. This variant has not been reported in individuals affected with PMS2-related disorders in the literature. This variant has been identified in 1/251358 chromosomes in the general population by the Genome Aggregation Database (gnomAD). The available evidence is insufficient to determine the role of this variant in disease conclusively. Therefore, this variant is classified as a Variant of Uncertain Significance.

This study involves interpretation of variants in research participants for the purpose of population health screening. Participant phenotype was not available at the time of variant classification. Additional details can be found in publication PMID: 35346344, PMCID: PMC8962531

Color Diagnostics, LLC DBA Color Health
Classification: Uncertain significance for Hereditary cancer-predisposing syndrome. Last evaluated: 2024-06-26. Review status: criteria provided, single submitter. Criteria: ACMG Guidelines, 2015. Collection method: clinical testing. Allele origin: germline.
Comment: This missense variant replaces cysteine with serine at codon 297 of the PMS2 protein. Computational prediction suggests that this variant may have deleterious impact on protein structure and function (internally defined REVEL score threshold >= 0.7, PMID: 27666373). To our knowledge, functional studies have not been reported for this variant. This variant has not been reported in individuals affected with PMS2-related disorders in the literature. This variant has been identified in 1/251358 chromosomes in the general population by the Genome Aggregation Database (gnomAD). The available evidence is insufficient to determine the role of this variant in disease conclusively. Therefore, this variant is classified as a Variant of Uncertain Significance.

Baylor Genetics
Classification: Uncertain significance for Lynch syndrome 4. Last evaluated: 2024-01-23. Review status: criteria provided, single submitter. Criteria: ACMG Guidelines, 2015. Collection method: clinical testing. Allele origin: unknown.

University of Washington Department of Laboratory Medicine, University of Washington
Classification: Uncertain significance for Hereditary nonpolyposis colon cancer. Last evaluated: 2015-11-20. Review status: criteria provided, single submitter. Criteria: Shirts et al. (Genet Med 2016). Collection method: clinical testing. Allele origin: germline. Affected: no. Observed: 1 variant allele.

Literature cited by the submitters: PubMed 26845104 (cited by Ambry Genetics).

NM_000535.7(PMS2):c.890G>C (p.Cys297Ser)

Gene: PMS2 (PMS1 homolog 2, mismatch repair system component; minus strand). Cytogenetic location: 7p22.1.
Variant type: single nucleotide variant.
Coding change: c.890G>C on transcript NM_000535.7 (MANE Select); coding-DNA position 890, G replaced by C.
Protein change: p.Cys297Ser; replaces cysteine 297 with serine.
Molecular consequence: missense variant. On other transcripts: 5 prime UTR variant (2), non-coding transcript variant (1).
Genome position (GRCh38, 1-based): chr7:5,995,547, C>G on the plus strand (G>C on the coding strand, the complement: PMS2 is on the minus strand). VCF-style: chr7-5995547-C-G. GRCh37 (hg19) VCF-style: chr7-6035178-C-G.
Other names: c.485G>C, p.Cys162Ser (NM_001322003.2, NM_001322004.2, NM_001322005.2 and 2 more transcripts); c.890G>C, p.Cys297Ser (NM_001322006.2, NM_001322014.2); c.572G>C, p.Cys191Ser (NM_001322007.2, NM_001322008.2); c.-44G>C (NM_001322011.2, NM_001322012.2); c.317G>C, p.Cys106Ser (NM_001322013.2); c.581G>C, p.Cys194Ser (NM_001322015.2); short protein forms C297S, C106S, C162S, C191S, C194S.
Identifiers: ClinVar variation 224586 (VCV000224586.23), dbSNP rs869312802, ClinGen allele CA357791.